The following is an entry in ClinVar:

NM_030777.4(SLC2A10):c.1252G>A (p.Val418Ile)

Gene: SLC2A10 (solute carrier family 2 member 10; plus strand). Cytogenetic location: 20q13.12.
Variant type: single nucleotide variant.
Coding change: c.1252G>A on transcript NM_030777.4 (MANE Select); coding-DNA position 1252, G replaced by A.
Protein change: p.Val418Ile; replaces valine 418 with isoleucine.
Molecular consequence: missense variant.
Genome position (GRCh38, 1-based): chr20:46,726,288, G>A. VCF-style: chr20-46726288-G-A. GRCh37 (hg19) VCF-style: chr20-45354927-G-A.
Other names: short protein forms V418I.
Identifiers: ClinVar variation 1761086 (VCV001761086.3), dbSNP rs2123051405, ClinGen allele CA409270136.
Genomic context (GRCh38, chr20:46,726,288, plus strand): 5'-CCCCCTCTGCCCGCTCGGGGGCATGCACTGCTGCGCTGGACCGCACTGCTGTGCCTGATG[G>A]TCTTTGTCAGTGCCTTCTCCTTTGGGTTTGGGCCAGGTAAGTGGAGTTTTCTTGCAGGTG-3'
Protein context (NP_110404.1, residues 408-428): LRWTALLCLM[Val418Ile]FVSAFSFGFG

ClinVar aggregate classification (germline): Uncertain significance (1 of 4 stars; one submission).

Conditions:
Familial thoracic aortic aneurysm and aortic dissection (TAAD). Also called: Thoracic aortic aneurysms and dissections. Identifiers: Orphanet 91387, MedGen C4707243, MONDO:0019625.

Submission:

Ambry Genetics
Classification: Uncertain significance for Familial thoracic aortic aneurysm and aortic dissection. Last evaluated: 2025-02-09. Review status: criteria provided, single submitter. Criteria: Ambry Variant Classification Scheme 2023. Collection method: clinical testing. Allele origin: germline.
Comment: The p.V418I variant (also known as c.1252G>A), located in coding exon 2 of the SLC2A10 gene, results from a G to A substitution at nucleotide position 1252. The valine at codon 418 is replaced by isoleucine, an amino acid with highly similar properties. This amino acid position is poorly conserved in available vertebrate species. In addition, this alteration is predicted to be tolerated by in silico analysis. Since supporting evidence is limited at this time, the clinical significance of this alteration remains unclear.